The following is an entry in ClinVar:

NM_000238.4(KCNH2):c.2654G>A (p.Arg885His)

Gene: KCNH2 (potassium voltage-gated channel subfamily H member 2; minus strand). Cytogenetic location: 7q36.1.
Variant type: single nucleotide variant.
Coding change: c.2654G>A on transcript NM_000238.4 (MANE Select); coding-DNA position 2654, G replaced by A.
Protein change: p.Arg885His; replaces arginine 885 with histidine.
Molecular consequence: missense variant.
Genome position (GRCh38, 1-based): chr7:150,948,482, C>T on the plus strand (G>A on the coding strand, the complement: KCNH2 is on the minus strand). VCF-style: chr7-150948482-C-T. GRCh37 (hg19) VCF-style: chr7-150645570-C-T.
Other names: c.1634G>A, p.Arg545His (NM_172057.3); short protein forms R545H, R885H.
Identifiers: ClinVar variation 402995 (VCV000402995.34), dbSNP rs202194495, ClinGen allele CA033689.

ClinVar aggregate classification (germline): Uncertain significance. Review status: criteria provided, multiple submitters, no conflicts (2 of 4 stars). 10 submissions from 10 submitters: Uncertain significance (10). Last evaluated 2026-03-26.

Conditions:
Cardiovascular phenotype. Identifiers: MedGen CN230736.
Cardiac arrhythmia. Also called: Cardiac rhythm disease; Arrhythmia. Identifiers: MedGen C0003811, MONDO:0007263, HP:0011675.
Long QT syndrome (LQTS). Identifiers: MedGen C0023976, MeSH D008133, MONDO:0002442. Disease mechanism: loss of function. Inheritance: Various modes of inheritance.
Long QT syndrome 2 (LQT2). Identifiers: Orphanet 101016, Orphanet 768, MedGen C3150943, MONDO:0013367, OMIM 613688.
Short QT syndrome type 1. Identifiers: Orphanet 51083, MedGen C1865020, MONDO:0012312, OMIM 609620.

Allele frequency attached by ClinVar (database versions not stated): TOPMed 0.00003; 1000 Genomes Project 30x 0.00016; 1000 Genomes Project 0.00020; gnomAD exomes 0.00003.
gnomAD v4.1: 49 of 1,508,234 alleles (0.0032%); highest among the groups gnomAD compares: Admixed American, 0.0053%; no homozygotes.

Submissions (10):

Ambry Genetics
Classification: Uncertain significance for Cardiovascular phenotype. Last evaluated: 2026-03-26. Review status: criteria provided, single submitter. Criteria: Ambry Variant Classification Scheme 2023. Collection method: clinical testing. Allele origin: germline.

Labcorp Genetics (formerly Invitae), Labcorp
Classification: Uncertain significance for Long QT syndrome. Last evaluated: 2025-07-13. Review status: criteria provided, single submitter. Criteria: Invitae Variant Classification Sherloc (09022015). Collection method: clinical testing. Allele origin: germline.
Comment: This sequence change replaces arginine, which is basic and polar, with histidine, which is basic and polar, at codon 885 of the KCNH2 protein (p.Arg885His). This variant is present in population databases (rs202194495, gnomAD 0.005%). This missense change has been observed in individual(s) with sudden infant death syndrome and Long QT Syndrome (PMID: 23631430, 29544605). ClinVar contains an entry for this variant (Variation ID: 402995). An algorithm developed to predict the effect of missense changes on protein structure and function (PolyPhen-2) suggests that this variant is likely to be disruptive. In summary, the available evidence is currently insufficient to determine the role of this variant in disease. Therefore, it has been classified as a Variant of Uncertain Significance.

All of Us Research Program, National Institutes of Health
Classification: Uncertain significance for Long QT syndrome. Last evaluated: 2024-08-06. Review status: criteria provided, single submitter. Criteria: ACMG Guidelines, 2015. Collection method: clinical testing. Allele origin: germline. Inheritance: Autosomal dominant inheritance. Observed: 11 variant alleles, 11 heterozygotes.
Comment: This missense variant replaces arginine with histidine at codon 885 of the KCNH2 protein. Computational prediction suggests that this variant may have deleterious impact on protein structure and function (internally defined REVEL score threshold >= 0.7, PMID: 27666373). This variant is found within a highly conserved C-terminus region (a.a. 843-1159). Rare non-truncating variants in this region have been shown to be significantly overrepresented in individuals with long QT syndrome (PMID: 32893267). To our knowledge, functional studies have not been reported for this variant. This variant has been reported in an individual affected with Long QT Syndrome (PMID: 23631430) and in an infant affected with sudden death (PMID: 29544605). This variant has been identified in 5/249432 chromosomes in the general population by the Genome Aggregation Database (gnomAD). The available evidence is insufficient to determine the role of this variant in disease conclusively. Therefore, this variant is classified as a Variant of Uncertain Significance.

This study involves interpretation of variants in research participants for the purpose of population health screening. Participant phenotype was not available at the time of variant classification. Additional details can be found in publication PMID: 35346344, PMCID: PMC8962531

Women's Health and Genetics/Laboratory Corporation of America, LabCorp
Classification: Uncertain significance. Last evaluated: 2024-02-12. Review status: criteria provided, single submitter. Criteria: LabCorp Variant Classification Summary - May 2015. Collection method: clinical testing. Allele origin: germline.
Comment: Variant summary: KCNH2 c.2654G>A (p.Arg885His) results in a non-conservative amino acid change in the encoded protein sequence. Four of five in-silico tools predict a damaging effect of the variant on protein function. The variant allele was found at a frequency of 2e-05 in 249432 control chromosomes (gnomAD). The available data on variant occurrences in the general population are insufficient to allow any conclusion about variant significance. c.2654G>A has been reported in the literature in individuals affected with Long QT Syndrome or sudden infant death syndrome without strong evidence of causality (Lieve_2013, Tester_2018). These reports do not provide unequivocal conclusions about association of the variant with Long QT Syndrome. To our knowledge, no experimental evidence demonstrating an impact on protein function has been reported. The following publications have been ascertained in the context of this evaluation (PMID: 23631430, 29544605). ClinVar contains an entry for this variant (Variation ID: 402995). Based on the evidence outlined above, the variant was classified as uncertain significance.

Color Diagnostics, LLC DBA Color Health
Classification: Uncertain significance for Cardiac arrhythmia. Last evaluated: 2023-11-20. Review status: criteria provided, single submitter. Criteria: ACMG Guidelines, 2015. Collection method: clinical testing. Allele origin: germline.
Comment: This missense variant replaces arginine with histidine at codon 885 of the KCNH2 protein. Computational prediction suggests that this variant may have deleterious impact on protein structure and function (internally defined REVEL score threshold >= 0.7, PMID: 27666373). This variant is found within a highly conserved C-terminus region (a.a. 843-1159). Rare non-truncating variants in this region have been shown to be significantly overrepresented in individuals with long QT syndrome (PMID: 32893267). To our knowledge, functional studies have not been reported for this variant. This variant has been reported in an individual affected with Long QT Syndrome (PMID: 23631430) and in an infant affected with sudden death (PMID: 29544605). This variant has been identified in 5/249432 chromosomes in the general population by the Genome Aggregation Database (gnomAD). The available evidence is insufficient to determine the role of this variant in disease conclusively. Therefore, this variant is classified as a Variant of Uncertain Significance.

Revvity Omics, Revvity
Classification: Uncertain significance. Last evaluated: 2022-01-02. Review status: criteria provided, single submitter. Criteria: ACMG Guidelines, 2015. Collection method: clinical testing. Allele origin: germline.

Fulgent Genetics
Classification: Uncertain significance for Short QT syndrome type 1; Long QT syndrome 2. Last evaluated: 2021-08-12. Review status: criteria provided, single submitter. Criteria: ACMG Guidelines, 2015. Collection method: clinical testing. Allele origin: unknown.

GeneDx
Classification: Uncertain significance. Last evaluated: 2019-10-21. Review status: criteria provided, single submitter. Criteria: GeneDx Variant Classification Process June 2021. Collection method: clinical testing. Allele origin: germline. Affected: yes.
Comment: Not observed at a significant frequency in large population cohorts (Lek et al., 2016); In silico analysis, which includes protein predictors and evolutionary conservation, supports that this variant does not alter protein structure/function; This variant is associated with the following publications: (PMID: 23631430)

Mendelics
Classification: Uncertain significance for Long QT syndrome 2. Last evaluated: 2019-05-28. Review status: criteria provided, single submitter. Criteria: Mendelics Assertion Criteria 2017. Collection method: clinical testing. Allele origin: unknown.

Laboratory for Molecular Medicine, Mass General Brigham Personalized Medicine
Classification: Uncertain significance. Last evaluated: 2016-03-31. Review status: criteria provided, single submitter. Criteria: LMM Criteria. Collection method: clinical testing. Allele origin: germline.
Comment: Variant identified in a genome or exome case(s) and assessed due to predicted null impact of the variant or pathogenic assertions in the literature or databases. Disclaimer: This variant has not undergone full assessment. ExAC: 4/65750 European

Literature cited by the submitters: PubMed 23631430 (cited by 4 submitters); PubMed 29544605 (cited by 4 submitters); PubMed 32893267 (cited by All of Us Research Program, National Institutes of Health and Color Diagnostics, LLC DBA Color Health).